The following is an entry in ClinVar:

NM_006514.4(SCN10A):c.2280+263T>C

Gene: SCN10A (sodium voltage-gated channel alpha subunit 10; minus strand). Cytogenetic location: 3p22.2.
Variant type: single nucleotide variant.
Coding change: c.2280+263T>C on transcript NM_006514.4 (MANE Select); 263 bases into the intron after coding-DNA position 2280, T replaced by C.
Molecular consequence: intron variant.
Genome position (GRCh38, 1-based): chr3:38,739,252, A>G on the plus strand (T>C on the coding strand, the complement: SCN10A is on the minus strand). VCF-style: chr3-38739252-A-G. GRCh37 (hg19) VCF-style: chr3-38780743-A-G.
Other names: c.1986+263T>C (NM_001293307.2); c.2280+263T>C (NM_001293306.2).
Identifiers: ClinVar variation 669814 (VCV000669814.1), dbSNP rs73826310, ClinGen allele CA72974152.

ClinVar aggregate classification (germline): Benign (1 of 4 stars; one submission).

Allele frequency attached by ClinVar (database versions not stated): gnomAD 0.05716 and 0.06038; TOPMed 0.06697; 1000 Genomes Project 30x 0.10696; 1000 Genomes Project 0.11022.
gnomAD v4.1: 9,153 of 152,224 alleles (6%); highest among the groups gnomAD compares: East Asian, 19%; 416 homozygotes.

Submission:

GeneDx
Classification: Benign. Last evaluated: 2018-06-14. Review status: criteria provided, single submitter. Criteria: GeneDx Variant Classification (06012015). Collection method: clinical testing. Allele origin: germline. Affected: yes.
Comment: This variant is considered likely benign or benign based on one or more of the following criteria: it is a conservative change, it occurs at a poorly conserved position in the protein, it is predicted to be benign by multiple in silico algorithms, and/or has population frequency not consistent with disease.